The following is an entry in ClinVar:

NM_001999.4(FBN2):c.2089T>C (p.Cys697Arg)

Gene: FBN2 (fibrillin 2; minus strand). Cytogenetic location: 5q23.3.
Variant type: single nucleotide variant.
Coding change: c.2089T>C on transcript NM_001999.4 (MANE Select); coding-DNA position 2089, T replaced by C.
Protein change: p.Cys697Arg; replaces cysteine 697 with arginine.
Molecular consequence: missense variant.
Genome position (GRCh38, 1-based): chr5:128,374,634, A>G on the plus strand (T>C on the coding strand, the complement: FBN2 is on the minus strand). VCF-style: chr5-128374634-A-G. GRCh37 (hg19) VCF-style: chr5-127710327-A-G.
Other names: short protein forms C697R.
Identifiers: ClinVar variation 2829818 (VCV002829818.3), dbSNP rs2479377059, ClinGen allele CA360740141.

ClinVar aggregate classification (germline): Uncertain significance (1 of 4 stars; one submission).

Conditions:
Congenital contractural arachnodactyly (CCA). Also called: BEALS SYNDROME; Beals-Hecht syndrome; Arthrogryposis, distal, type 9. Identifiers: Orphanet 115, MedGen C0220668, MONDO:0007363, OMIM 121050.

Allele frequency attached by ClinVar (database versions not stated): gnomAD exomes below 0.00001.
gnomAD v4.1: 1 of 1,613,926 alleles (0.000062%); highest among the groups gnomAD compares: Non-Finnish European, 0.000085%; no homozygotes.

Submission:

Labcorp Genetics (formerly Invitae), Labcorp
Classification: Uncertain significance for Congenital contractural arachnodactyly. Last evaluated: 2023-03-02. Review status: criteria provided, single submitter. Criteria: Invitae Variant Classification Sherloc (09022015). Collection method: clinical testing. Allele origin: germline.
Comment: This missense change has been observed in individual(s) with clinical features of congenital contractural arachnodactyly (Invitae). In summary, the available evidence is currently insufficient to determine the role of this variant in disease. Therefore, it has been classified as a Variant of Uncertain Significance. Advanced modeling of protein sequence and biophysical properties (such as structural, functional, and spatial information, amino acid conservation, physicochemical variation, residue mobility, and thermodynamic stability) performed at Invitae indicates that this missense variant is expected to disrupt FBN2 protein function. This variant is not present in population databases (gnomAD no frequency). This sequence change replaces cysteine, which is neutral and slightly polar, with arginine, which is basic and polar, at codon 697 of the FBN2 protein (p.Cys697Arg).